The following is an entry in ClinVar:

ClinVar aggregate classification (germline): Uncertain significance (1 of 4 stars; one submission).

Conditions:
Hereditary cancer-predisposing syndrome. Also called: Neoplastic Syndromes, Hereditary; Tumor predisposition; Hereditary Cancer Syndrome; Hereditary neoplastic syndrome. Identifiers: Orphanet 140162, MedGen C0027672, MeSH D009386, MONDO:0015356.

Submission:

Ambry Genetics
Classification: Uncertain significance for Hereditary cancer-predisposing syndrome. Last evaluated: 2022-08-04. Review status: criteria provided, single submitter. Criteria: Ambry Variant Classification Scheme 2023. Collection method: clinical testing. Allele origin: germline.
Comment: The p.Y239H variant (also known as c.715T>C), located in coding exon 7 of the RB1 gene, results from a T to C substitution at nucleotide position 715. The tyrosine at codon 239 is replaced by histidine, an amino acid with similar properties. This amino acid position is conserved. In addition, this alteration is predicted to be deleterious by in silico analysis. Since supporting evidence is limited at this time, the clinical significance of this alteration remains unclear.

NM_000321.3(RB1):c.715T>C (p.Tyr239His)

Gene: RB1 (RB transcriptional corepressor 1; plus strand). Cytogenetic location: 13q14.2.
Variant type: single nucleotide variant.
Coding change: c.715T>C on transcript NM_000321.3 (MANE Select); coding-DNA position 715, T replaced by C.
Protein change: p.Tyr239His; replaces tyrosine 239 with histidine.
Molecular consequence: missense variant.
Genome position (GRCh38, 1-based): chr13:48,360,124, T>C. VCF-style: chr13-48360124-T-C. GRCh37 (hg19) VCF-style: chr13-48934260-T-C.
Other names: c.715T>C, p.Tyr239His (NM_001407165.1, NM_001407166.1); short protein forms Y239H.
Identifiers: ClinVar variation 1757436 (VCV001757436.2), dbSNP rs2138108043, ClinGen allele CA388158710.